The following is an entry in ClinVar:

ClinVar aggregate classification (germline): Uncertain significance (1 of 4 stars; one submission).

Conditions:
Hereditary sensory and autonomic neuropathy type 6. Also called: Neuropathy, hereditary sensory and autonomic, type VI; HSAN VI. Identifiers: Orphanet 314381, MedGen C3539003, MONDO:0013839, OMIM 614653.
Epidermolysis bullosa simplex 3, localized or generalized intermediate, with BP230 deficiency (EBS3). Also called: Epidermolysis bullosa simplex due to BP230 deficiency; Epidermolysis bullosa simplex, autosomal recessive 2. Identifiers: Orphanet 412181, MedGen C3809470, MONDO:0014180, OMIM 615425.

gnomAD v4.1: 3 of 1,593,806 alleles (0.00019%); no homozygotes.

Submission:

Labcorp Genetics (formerly Invitae), Labcorp
Classification: Uncertain significance for Epidermolysis bullosa simplex 3, localized or generalized intermediate, with BP230 deficiency; Hereditary sensory and autonomic neuropathy type 6. Last evaluated: 2025-06-17. Review status: criteria provided, single submitter. Criteria: Invitae Variant Classification Sherloc (09022015). Collection method: clinical testing. Allele origin: germline.
Comment: The DST gene has multiple clinically relevant transcripts. This variant occurs in alternate transcript NM_015548.4, and corresponds to NM_001723.5:c.*59755C>T in the primary transcript. This sequence change replaces proline, which is neutral and non-polar, with serine, which is neutral and polar, at codon 2284 of the DST protein (p.Pro2284Ser). This variant is not present in population databases (gnomAD no frequency). This variant has not been reported in the literature in individuals affected with DST-related conditions. Experimental studies and prediction algorithms are not available or were not evaluated, and the functional significance of this variant is currently unknown. In summary, the available evidence is currently insufficient to determine the role of this variant in disease. Therefore, it has been classified as a Variant of Uncertain Significance.

NM_001374736.1(DST):c.14719C>T (p.Pro4907Ser)

Gene: DST (dystonin; minus strand). Cytogenetic location: 6p12.1.
Variant type: single nucleotide variant.
Coding change: c.14719C>T on transcript NM_001374736.1 (MANE Select); coding-DNA position 14719, C replaced by T.
Protein change: p.Pro4907Ser; replaces proline 4907 with serine.
Molecular consequence: missense variant.
Genome position (GRCh38, 1-based): chr6:56,555,762, G>A on the plus strand (C>T on the coding strand, the complement: DST is on the minus strand). VCF-style: chr6-56555762-G-A. GRCh37 (hg19) VCF-style: chr6-56420560-G-A.
Other names: c.8362C>T, p.Pro2788Ser (NM_001144769.5); c.7948C>T, p.Pro2650Ser (NM_001144770.2); c.14719C>T, p.Pro4907Ser (NM_001374722.1); c.14086C>T, p.Pro4696Ser (NM_001374729.1); c.7828C>T, p.Pro2610Ser (NM_001374730.1, NM_001386100.1, NM_183380.4); c.14746C>T, p.Pro4916Ser (NM_001374734.1); c.6850C>T, p.Pro2284Ser (NM_015548.5); short protein forms P4916S, P2610S, P2284S, P2650S, P2788S, P4907S, P4696S.
Identifiers: ClinVar variation 4794509 (VCV004794509.1).